The following is an entry in ClinVar:

NM_000166.6(GJB1):c.392T>G (p.Leu131Arg)

Gene: GJB1 (gap junction protein beta 1; plus strand). Cytogenetic location: Xq13.1.
Variant type: single nucleotide variant.
Coding change: c.392T>G on transcript NM_000166.6 (MANE Select); coding-DNA position 392, T replaced by G.
Protein change: p.Leu131Arg; replaces leucine 131 with arginine.
Molecular consequence: missense variant.
Genome position (GRCh38, 1-based): chrX:71,224,099, T>G. VCF-style: chrX-71224099-T-G. GRCh37 (hg19) VCF-style: chrX-70443949-T-G.
Other names: c.392T>G, p.Leu131Arg (NM_001097642.3); short protein forms L131R.
Identifiers: ClinVar variation 451657 (VCV000451657.6), dbSNP rs1555937166, ClinGen allele CA413502146.

ClinVar aggregate classification (germline): Conflicting classifications of pathogenicity. Review status: criteria provided, conflicting classifications (1 of 4 stars). 3 submissions from 3 submitters: Likely pathogenic (2); Uncertain significance (1). Last evaluated 2022-12-15.

Conditions:
GJB1-related disorder. Also called: GJB1-related condition; GJB1-related disorders.
Charcot-Marie-Tooth Neuropathy X. Identifiers: MedGen CN118851.

Submissions (3):

Labcorp Genetics (formerly Invitae), Labcorp
Classification: Uncertain significance for Charcot-Marie-Tooth Neuropathy X. Last evaluated: 2022-12-15. Review status: criteria provided, single submitter. Criteria: Invitae Variant Classification Sherloc (09022015). Collection method: clinical testing. Allele origin: germline.
Comment: ClinVar contains an entry for this variant (Variation ID: 451657). In summary, the available evidence is currently insufficient to determine the role of this variant in disease. Therefore, it has been classified as a Variant of Uncertain Significance. This variant disrupts the p.Leu131 amino acid residue in GJB1. Other variant(s) that disrupt this residue have been determined to be pathogenic (PMID: 9818870, 12362307). This suggests that this residue is clinically significant, and that variants that disrupt this residue are likely to be disease-causing. Advanced modeling of protein sequence and biophysical properties (such as structural, functional, and spatial information, amino acid conservation, physicochemical variation, residue mobility, and thermodynamic stability) performed at Invitae indicates that this missense variant is expected to disrupt GJB1 protein function. This variant has not been reported in the literature in individuals affected with GJB1-related conditions. This variant is not present in population databases (gnomAD no frequency). This sequence change replaces leucine, which is neutral and non-polar, with arginine, which is basic and polar, at codon 131 of the GJB1 protein (p.Leu131Arg).

Blueprint Genetics
Classification: Likely pathogenic for GJB1-related disorders. Last evaluated: 2020-03-04. Review status: criteria provided, single submitter. Criteria: ACMG Guidelines, 2015. Collection method: clinical testing. Allele origin: germline. Affected: yes. Observed: 1 variant allele.

GeneDx
Classification: Likely pathogenic. Last evaluated: 2017-08-25. Review status: criteria provided, single submitter. Criteria: GeneDx Variant Classification (06012015). Collection method: clinical testing. Allele origin: germline. Affected: yes.
Comment: A variant that is likely pathogenic has been identified in the GJB1 gene. The L131R variant has not been published as a pathogenic variant, nor has it been reported as a benign variant to our knowledge. The L131R variant is not observed in large population cohorts (Lek et al., 2016; 1000 Genomes Consortium et al., 2015; Exome Variant Server). The L131R variant is a non-conservative amino acid substitution, which is likely to impact secondary protein structure as these residues differ in polarity, charge, size and/or other properties. This substitution occurs at a position that is conserved across species. In silico analysis predicts this variant is probably damaging to the protein structure/function. Additionally, missense variants in nearby residues (I127F/S/M, S128P/L, T130I, W132R) have been reported in the Human Gene Mutation Database in association with GJB1-related disorders (Stenson et al., 2014), supporting the functional importance of this region of the protein. Therefore, this variant is likely pathogenic; however, the possibility that it is benign cannot be excluded.

Literature cited by the submitters: PubMed 9818870 (cited by Labcorp Genetics (formerly Invitae), Labcorp); PubMed 12362307 (cited by Labcorp Genetics (formerly Invitae), Labcorp).